The following is an entry in ClinVar:

NM_032608.7(MYO18B):c.7614C>T (p.Gly2538=)

Gene: MYO18B (myosin XVIIIB; plus strand). Cytogenetic location: 22q12.1.
Variant type: single nucleotide variant.
Coding change: c.7614C>T on transcript NM_032608.7 (MANE Select); coding-DNA position 7614, C replaced by T.
Protein change: p.Gly2538=; no amino-acid change (glycine 2538 retained).
Molecular consequence: synonymous variant.
Genome position (GRCh38, 1-based): chr22:26,027,588, C>T. VCF-style: chr22-26027588-C-T. GRCh37 (hg19) VCF-style: chr22-26423554-C-T.
Other names: c.7617C>T, p.Gly2539= (NM_001318245.2).
Identifiers: ClinVar variation 1958051 (VCV001958051.7), dbSNP rs373074703, ClinGen allele CA10161824.
Genomic context (GRCh38, chr22:26,027,588, plus strand): 5'-CAAAAGTGCTGACAGCATCAAAAGTCGACCAGGAATCCCACGACTTGCGGGTGACGGTGG[C>T]GAGCGAACGTCCCCCGAGCGGAGAGAGCCAGGGACGGGGAGGAAAGACGACGATGTTGCG-3'
Protein context (NP_115997.5, residues 2528-2548): PGIPRLAGDG[Gly2538=]ERTSPERREP

ClinVar aggregate classification (germline): Likely benign. Review status: criteria provided, multiple submitters, no conflicts (2 of 4 stars). 2 submissions from 2 submitters: Likely benign (2). Last evaluated 2026-09-01.

Allele frequency attached by ClinVar (database versions not stated): gnomAD exomes 0.00002; TOPMed 0.00002; gnomAD 0.00004; ESP Exome Variant Server 0.00008; ExAC 0.00009.
gnomAD v4.1: 35 of 1,613,750 alleles (0.0022%); highest among the groups gnomAD compares: Non-Finnish European, 0.0017%; no homozygotes.

Submissions (3):

CeGaT Center for Human Genetics Tuebingen
Classification: Likely benign. Last evaluated: 2026-09-01. Review status: criteria provided, single submitter. Criteria: CeGaT Center For Human Genetics Tuebingen Variant Classification Criteria Version 2. Collection method: clinical testing. Allele origin: germline. Affected: yes. Observed: 1 variant allele.
Comment: MYO18B: BP4, BP7

Labcorp Genetics (formerly Invitae), Labcorp
Classification: Likely benign. Last evaluated: 2024-07-22. Review status: criteria provided, single submitter. Criteria: Invitae Variant Classification Sherloc (09022015). Collection method: clinical testing. Allele origin: germline.

Dr. Peter K. Rogan Lab, Western University
No classification provided (evidence only). Condition: Colon adenocarcinoma. Review status: no classification provided. Collection method: in vitro. Allele origin: not applicable. Functional consequence: retained intron. Not counted in ClinVar's aggregate classification.